The following is an entry in ClinVar:

ClinVar aggregate classification (germline): Conflicting classifications of pathogenicity. Review status: criteria provided, conflicting classifications (1 of 4 stars). 2 submissions from 2 submitters: Likely pathogenic (1); Uncertain significance (1). Last evaluated 2024-11-14.

Submissions (2):

Labcorp Genetics (formerly Invitae), Labcorp
Classification: Uncertain significance. Last evaluated: 2024-11-14. Review status: criteria provided, single submitter. Criteria: Invitae Variant Classification Sherloc (09022015). Collection method: clinical testing. Allele origin: germline.
Comment: This sequence change replaces valine, which is neutral and non-polar, with phenylalanine, which is neutral and non-polar, at codon 577 of the TRPV3 protein (p.Val577Phe). This variant is not present in population databases (gnomAD no frequency). This variant has not been reported in the literature in individuals affected with TRPV3-related conditions. ClinVar contains an entry for this variant (Variation ID: 1187614). Invitae Evidence Modeling of protein sequence and biophysical properties (such as structural, functional, and spatial information, amino acid conservation, physicochemical variation, residue mobility, and thermodynamic stability) indicates that this missense variant is expected to disrupt TRPV3 protein function with a positive predictive value of 95%. In summary, the available evidence is currently insufficient to determine the role of this variant in disease. Therefore, it has been classified as a Variant of Uncertain Significance.

GeneDx
Classification: Likely pathogenic. Last evaluated: 2020-09-28. Review status: criteria provided, single submitter. Criteria: GeneDx Variant Classification Process June 2021. Collection method: clinical testing. Allele origin: germline. Affected: yes.
Comment: Has not been previously published as pathogenic or benign to our knowledge; Not observed in large population cohorts (Lek et al., 2016); In silico analysis supports that this missense variant has a deleterious effect on protein structure/function

NM_145068.4(TRPV3):c.1729G>T (p.Val577Phe)

Gene: TRPV3 (transient receptor potential cation channel subfamily V member 3; minus strand). Cytogenetic location: 17p13.2.
Variant type: single nucleotide variant.
Coding change: c.1729G>T on transcript NM_145068.4 (MANE Select); coding-DNA position 1729, G replaced by T.
Protein change: p.Val577Phe; replaces valine 577 with phenylalanine.
Molecular consequence: missense variant.
Genome position (GRCh38, 1-based): chr17:3,524,212, C>A on the plus strand (G>T on the coding strand, the complement: TRPV3 is on the minus strand). VCF-style: chr17-3524212-C-A. GRCh37 (hg19) VCF-style: chr17-3427506-C-A.
Other names: c.1729G>T, p.Val577Phe (NM_001258205.2); short protein forms V577F.
Identifiers: ClinVar variation 1187614 (VCV001187614.4), dbSNP rs200894372, ClinGen allele CA397681723.